The following is an entry in ClinVar:

ClinVar aggregate classification (germline): Conflicting classifications of pathogenicity. Review status: criteria provided, conflicting classifications (1 of 4 stars). 3 submissions from 3 submitters: Likely pathogenic (1); Uncertain significance (2). Last evaluated 2024-09-18.

Conditions:
Spastic paraplegia. Identifiers: MedGen C0037772, HP:0001258.

Allele frequency attached by ClinVar (database versions not stated): ExAC 0.00001; gnomAD 0.00001; gnomAD exomes 0.00001 and 0.00002; TOPMed 0.00001.
gnomAD v4.1: 34 of 1,613,572 alleles (0.0021%); highest among the groups gnomAD compares: Non-Finnish European, 0.0027%; no homozygotes.

Submissions (3):

Women's Health and Genetics/Laboratory Corporation of America, LabCorp
Classification: Uncertain significance. Last evaluated: 2024-09-18. Review status: criteria provided, single submitter. Criteria: LabCorp Variant Classification Summary - May 2015. Collection method: clinical testing. Allele origin: germline.
Comment: Variant summary: FA2H c.782A>G (p.His261Arg) results in a non-conservative amino acid change located in the Fatty acid hydroxylase domain (IPR006694) of the encoded protein sequence. Five of five in-silico tools predict a damaging effect of the variant on protein function. The variant allele was found at a frequency of 1.2e-05 in 250736 control chromosomes. The available data on variant occurrences in the general population are insufficient to allow any conclusion about variant significance. To our knowledge, no occurrence of c.782A>G in individuals affected with Neurodegeneration With Brain Iron Accumulation and no experimental evidence demonstrating its impact on protein function have been reported. ClinVar contains an entry for this variant (Variation ID: 372861). Based on the evidence outlined above, the variant was classified as uncertain significance.

Labcorp Genetics (formerly Invitae), Labcorp
Classification: Uncertain significance for Spastic paraplegia. Last evaluated: 2022-01-23. Review status: criteria provided, single submitter. Criteria: Invitae Variant Classification Sherloc (09022015). Collection method: clinical testing. Allele origin: germline.
Comment: This sequence change replaces histidine, which is basic and polar, with arginine, which is basic and polar, at codon 261 of the FA2H protein (p.His261Arg). This variant is present in population databases (rs761645282, gnomAD 0.003%). This missense change has been observed in individual(s) with clinical features of hereditary spastic paraplegia (Invitae). ClinVar contains an entry for this variant (Variation ID: 372861). Advanced modeling of protein sequence and biophysical properties (such as structural, functional, and spatial information, amino acid conservation, physicochemical variation, residue mobility, and thermodynamic stability) performed at Invitae indicates that this missense variant is expected to disrupt FA2H protein function. In summary, the available evidence is currently insufficient to determine the role of this variant in disease. Therefore, it has been classified as a Variant of Uncertain Significance.

GeneDx
Classification: Likely pathogenic. Last evaluated: 2015-12-30. Review status: criteria provided, single submitter. Criteria: GeneDx Variant Classification (06012015). Collection method: clinical testing. Allele origin: germline. Affected: yes.
Comment: The H261R variant in the FA2H gene has not been reported previously as a pathogenic variant, nor as a benign variant, to our knowledge. The H261R variant was not observed in approximately 6500 individuals of European and African American ancestry in the NHLBI Exome Sequencing Project, indicating it is not a common benign variant in these populations. The H261R variant is a conservative amino acid substitution, which occurs at a position that is conserved across species. In silico analysis predicts this variant is probably damaging to the protein structure/function. The H261R variant is a strong candidate for a pathogenic variant, however the possibility it may be a rare benign variant cannot be excluded.

NM_024306.5(FA2H):c.782A>G (p.His261Arg)

Gene: FA2H (fatty acid 2-hydroxylase; minus strand). Cytogenetic location: 16q23.1.
Variant type: single nucleotide variant.
Coding change: c.782A>G on transcript NM_024306.5 (MANE Select); coding-DNA position 782, A replaced by G.
Protein change: p.His261Arg; replaces histidine 261 with arginine.
Molecular consequence: missense variant.
Genome position (GRCh38, 1-based): chr16:74,718,992, T>C on the plus strand (A>G on the coding strand, the complement: FA2H is on the minus strand). VCF-style: chr16-74718992-T-C. GRCh37 (hg19) VCF-style: chr16-74752890-T-C.
Other names: short protein forms H261R.
Identifiers: ClinVar variation 372861 (VCV000372861.7), dbSNP rs761645282, ClinGen allele CA8170413.